The following is an entry in ClinVar:

NM_017763.6(RNF43):c.1123T>C (p.Phe375Leu)

Gene: RNF43 (ring finger protein 43; minus strand). Cytogenetic location: 17q22.
Variant type: single nucleotide variant.
Coding change: c.1123T>C on transcript NM_017763.6 (MANE Select); coding-DNA position 1123, T replaced by C.
Protein change: p.Phe375Leu; replaces phenylalanine 375 with leucine.
Molecular consequence: missense variant.
Genome position (GRCh38, 1-based): chr17:58,358,653, A>G on the plus strand (T>C on the coding strand, the complement: RNF43 is on the minus strand). VCF-style: chr17-58358653-A-G. GRCh37 (hg19) VCF-style: chr17-56436014-A-G.
Other names: c.1123T>C, p.Phe375Leu (NM_001305544.3); c.742T>C, p.Phe248Leu (NM_001305545.2); short protein forms F248L, F375L.
Identifiers: ClinVar variation 2175967 (VCV002175967.6), dbSNP rs774483341, ClinGen allele CA8673230.
Genomic context (GRCh38, chr17:58,358,653, plus strand): 5'-GTGCAGCTCTGGGGAAGCGGTGATGCCGAGGGCCCATGCCTGGCTCCTGGGATGGCAGGA[A>G]GGGACCAGGTCGTGGGGGCCGAGCCACTGCACTCCGGGAAGGGCCCAACAGGTAGGCAGC-3'
Protein context (NP_060233.3, residues 365-385): AVARPPRPGP[Phe375Leu]LPSQEPGMGP

ClinVar aggregate classification (germline): Uncertain significance. Review status: criteria provided, multiple submitters, no conflicts (2 of 4 stars). 3 submissions from 3 submitters: Uncertain significance (3). Last evaluated 2024-12-15.

Allele frequency attached by ClinVar (database versions not stated): gnomAD exomes 0.00001; TOPMed 0.00001; gnomAD 0.00002.
gnomAD v4.1: 10 of 1,528,720 alleles (0.00065%); highest among the groups gnomAD compares: Non-Finnish European, 0.00088%; no homozygotes.

Submissions (3):

Ambry Genetics
Classification: Uncertain significance. Last evaluated: 2024-12-15. Review status: criteria provided, single submitter. Criteria: Ambry Variant Classification Scheme 2023. Collection method: clinical testing. Allele origin: germline.
Comment: The p.F375L variant (also known as c.1123T>C), located in coding exon 8 of the RNF43 gene, results from a T to C substitution at nucleotide position 1123. The phenylalanine at codon 375 is replaced by leucine, an amino acid with highly similar properties. This amino acid position is conserved. In addition, this alteration is predicted to be tolerated by in silico analysis. Based on the available evidence, the clinical significance of this variant remains unclear.

Labcorp Genetics (formerly Invitae), Labcorp
Classification: Uncertain significance. Last evaluated: 2024-05-07. Review status: criteria provided, single submitter. Criteria: Invitae Variant Classification Sherloc (09022015). Collection method: clinical testing. Allele origin: germline.
Comment: This sequence change replaces phenylalanine, which is neutral and non-polar, with leucine, which is neutral and non-polar, at codon 375 of the RNF43 protein (p.Phe375Leu). This variant is not present in population databases (gnomAD no frequency). This variant has not been reported in the literature in individuals affected with RNF43-related conditions. ClinVar contains an entry for this variant (Variation ID: 2175967). Algorithms developed to predict the effect of missense changes on protein structure and function output the following: SIFT: "Not Available"; PolyPhen-2: "Benign"; Align-GVGD: "Not Available". The leucine amino acid residue is found in multiple mammalian species, which suggests that this missense change does not adversely affect protein function. In summary, the available evidence is currently insufficient to determine the role of this variant in disease. Therefore, it has been classified as a Variant of Uncertain Significance.

GeneDx
Classification: Uncertain significance. Last evaluated: 2022-12-23. Review status: criteria provided, single submitter. Criteria: GeneDx Variant Classification Process June 2021. Collection method: clinical testing. Allele origin: germline. Affected: yes.
Comment: Not observed at significant frequency in large population cohorts (gnomAD); In silico analysis supports that this missense variant does not alter protein structure/function; Has not been previously published as pathogenic or benign to our knowledge; Variants in candidate genes are classified as variants of uncertain significance in accordance with ACMG guidelines (Richards et al., 2015)